The following is an entry in ClinVar:

ClinVar aggregate classification (germline): Uncertain significance (1 of 4 stars; one submission).

Conditions:
Retinoblastoma (RB1). Also called: RETINOBLASTOMA, SOMATIC. Identifiers: Orphanet 790, MedGen C0035335, MeSH D012175, MONDO:0008380, OMIM 180200, HP:0009919. Disease mechanism: loss of function. Inheritance: Both sporadic and heritable forms are tested..

gnomAD v4.1: 2 of 1,514,720 alleles (0.00013%); highest among the groups gnomAD compares: Middle Eastern, 0.023%; no homozygotes.

Submission:

Labcorp Genetics (formerly Invitae), Labcorp
Classification: Uncertain significance for Retinoblastoma. Last evaluated: 2025-04-27. Review status: criteria provided, single submitter. Criteria: Invitae Variant Classification Sherloc (09022015). Collection method: clinical testing. Allele origin: germline.
Comment: This variant occurs in a non-coding region of the RB1 gene. It does not change the encoded amino acid sequence of the RB1 protein. This variant is not present in population databases (gnomAD no frequency). This variant has not been reported in the literature in individuals affected with RB1-related conditions. ClinVar contains an entry for this variant (Variation ID: 3718378). In summary, the available evidence is currently insufficient to determine the role of this variant in disease. Therefore, it has been classified as a Variant of Uncertain Significance.

NM_000321.3(RB1):c.-18C>T

Gene: RB1 (RB transcriptional corepressor 1; plus strand). Cytogenetic location: 13q14.2.
Variant type: single nucleotide variant.
Coding change: c.-18C>T on transcript NM_000321.3 (MANE Select); 18 bases upstream of the start codon, C replaced by T.
Molecular consequence: 5 prime UTR variant.
Genome position (GRCh38, 1-based): chr13:48,303,895, C>T. VCF-style: chr13-48303895-C-T. GRCh37 (hg19) VCF-style: chr13-48878031-C-T.
Other names: c.-18C>T (NM_001407165.1, NM_001407166.1, NM_001407167.1).
Identifiers: ClinVar variation 3718378 (VCV003718378.2).